The following is an entry in ClinVar:

ClinVar aggregate classification (germline): Conflicting classifications of pathogenicity. Review status: criteria provided, conflicting classifications (1 of 4 stars). 3 submissions from 3 submitters: Uncertain significance (1); Likely benign (2). Last evaluated 2025-12-30.

Conditions:
Ehlers-Danlos syndrome, classic type, 1 (EDSCL1). Also called: EDS I; EHLERS-DANLOS SYNDROME, GRAVIS TYPE; EHLERS-DANLOS SYNDROME, SEVERE CLASSIC TYPE; Ehlers-Danlos Syndrome, Classic Type, COL5A1-Related; Ehlers-Danlos syndrome, type 1. Identifiers: MedGen C0268335, MONDO:0019567, OMIM 130000.
Familial thoracic aortic aneurysm and aortic dissection (TAAD). Also called: Thoracic aortic aneurysms and dissections. Identifiers: Orphanet 91387, MedGen C4707243, MONDO:0019625.

Allele frequency attached by ClinVar (database versions not stated): TOPMed 0.00002; gnomAD exomes 0.00002; gnomAD 0.00001; ExAC 0.00002.
gnomAD v4.1: 30 of 1,614,004 alleles (0.0019%); highest among the groups gnomAD compares: Non-Finnish European, 0.0025%; no homozygotes.

Submissions (3):

Ambry Genetics
Classification: Likely benign for Familial thoracic aortic aneurysm and aortic dissection. Last evaluated: 2025-12-30. Review status: criteria provided, single submitter. Criteria: Ambry Variant Classification Scheme 2023. Collection method: clinical testing. Allele origin: germline.

Labcorp Genetics (formerly Invitae), Labcorp
Classification: Likely benign for Ehlers-Danlos syndrome, classic type, 1. Last evaluated: 2025-12-30. Review status: criteria provided, single submitter. Criteria: Invitae Variant Classification Sherloc (09022015). Collection method: clinical testing. Allele origin: germline.

GeneDx
Classification: Uncertain significance. Last evaluated: 2020-10-07. Review status: criteria provided, single submitter. Criteria: GeneDx Variant Classification Process June 2021. Collection method: clinical testing. Allele origin: germline. Affected: yes.
Comment: Has not been previously published as pathogenic or benign to our knowledge; In silico analysis supports that this missense variant does not alter protein structure/function; Reported in ClinVar as variant of uncertain significance (ClinVar Variant ID# 655722; Landrum et al., 2016)

NM_000393.5(COL5A2):c.2641G>A (p.Ala881Thr)

Gene: COL5A2 (collagen type V alpha 2 chain; minus strand). Cytogenetic location: 2q32.2.
Variant type: single nucleotide variant.
Coding change: c.2641G>A on transcript NM_000393.5 (MANE Select); coding-DNA position 2641, G replaced by A.
Protein change: p.Ala881Thr; replaces alanine 881 with threonine.
Molecular consequence: missense variant.
Genome position (GRCh38, 1-based): chr2:189,052,931, C>T on the plus strand (G>A on the coding strand, the complement: COL5A2 is on the minus strand). VCF-style: chr2-189052931-C-T. GRCh37 (hg19) VCF-style: chr2-189917657-C-T.
Other names: short protein forms A881T.
Identifiers: ClinVar variation 655722 (VCV000655722.15), dbSNP rs760858324, ClinGen allele CA2022253.